The following is an entry in ClinVar:

NM_000451.4(SHOX):c.464G>T (p.Gly155Val)

Genes: SHOX (SHOX homeobox; plus strand), LOC107652445 (meiotic recombination hotspot SHOX; plus strand). Cytogenetic location: Xp22.33.
Variant type: single nucleotide variant.
Coding change: c.464G>T on transcript NM_000451.4 (MANE Select); coding-DNA position 464, G replaced by T.
Protein change: p.Gly155Val; replaces glycine 155 with valine.
Molecular consequence: missense variant.
Genome position (GRCh38, 1-based): chrX:634,804, G>T. VCF-style: chrX-634804-G-T. GRCh37 (hg19) VCF-style: chrX-595539-G-T.
Other names: c.464G>T, p.Gly155Val (NM_006883.2); short protein forms G155V.
Identifiers: ClinVar variation 3068877 (VCV003068877.2), dbSNP rs2522102447, ClinGen allele CA412231550.

ClinVar aggregate classification (germline): Uncertain significance (1 of 4 stars; one submission).

Submission:

Women's Health and Genetics/Laboratory Corporation of America, LabCorp
Classification: Uncertain significance. Last evaluated: 2024-02-08. Review status: criteria provided, single submitter. Criteria: LabCorp Variant Classification Summary - May 2015. Collection method: clinical testing. Allele origin: germline.
Comment: Variant summary: SHOX c.464G>T (p.Gly155Val) results in a non-conservative amino acid change located in the Homeobox domain (IPR001356) of the encoded protein sequence. Four of five in-silico tools predict a damaging effect of the variant on protein function. The variant was absent in 188852 control chromosomes (gnomAD v2.1). The available data on variant occurrences in the general population are insufficient to allow any conclusion about variant significance. To our knowledge, no occurrence of c.464G>T in individuals affected with Leri-Weill Dyschondrosteosis and no experimental evidence demonstrating its impact on protein function have been reported. No submitters have cited clinical-significance assessments for this variant to ClinVar. Based on the evidence outlined above, the variant was classified as uncertain significance.